The following is an entry in ClinVar:

ClinVar aggregate classification (germline): Uncertain significance (1 of 4 stars; one submission).

Submission:

GeneDx
Classification: Uncertain significance. Last evaluated: 2019-05-17. Review status: criteria provided, single submitter. Criteria: GeneDx Variant Classification Process June 2021. Collection method: clinical testing. Allele origin: germline. Affected: yes.
Comment: Not observed in large population cohorts (Lek et al., 2016); In silico analysis, which includes protein predictors and evolutionary conservation, supports that this variant does not alter protein structure/function; Has not been previously published as pathogenic or benign to our knowledge

NM_181882.3(PRX):c.4352C>T (p.Ala1451Val)

Gene: PRX (periaxin; minus strand). Cytogenetic location: 19q13.2.
Variant type: single nucleotide variant.
Coding change: c.4352C>T on transcript NM_181882.3 (MANE Select); coding-DNA position 4352, C replaced by T.
Protein change: p.Ala1451Val; replaces alanine 1451 with valine.
Molecular consequence: missense variant. On other transcripts: 3 prime UTR variant (1).
Genome position (GRCh38, 1-based): chr19:40,394,000, G>A on the plus strand (C>T on the coding strand, the complement: PRX is on the minus strand). VCF-style: chr19-40394000-G-A. GRCh37 (hg19) VCF-style: chr19-40899907-G-A.
Other names: c.*4557C>T (NM_020956.2); short protein forms A1451V.
Identifiers: ClinVar variation 1305911 (VCV001305911.2), dbSNP rs2145724458, ClinGen allele CA405889375.
Genomic context (GRCh38, chr19:40,394,000, plus strand): 5'-AAGGGATCCCCATCTGACTAGGGGCTTCAGACAGCCGCAGCCTGAGCCCCCTCCATCCTG[G>A]CCGGGCCTGGAGCCCCTGTCTCTGAAAACCCCACGCTGGGCAGCCGCACCCGCAATCCAC-3'
Protein context (NP_870998.2, residues 1441-1461): GFSETGAPGP[Ala1451Val]RMEGAQAAAV